The following is an entry in ClinVar:

ClinVar aggregate classification (germline): Uncertain significance (1 of 4 stars; one submission).

Allele frequency attached by ClinVar (database versions not stated): gnomAD exomes below 0.00001.
gnomAD v4.1: 2 of 1,550,514 alleles (0.00013%); highest among the groups gnomAD compares: Non-Finnish European, 0.000087%; no homozygotes.

Submission:

Labcorp Genetics (formerly Invitae), Labcorp
Classification: Uncertain significance. Last evaluated: 2022-07-07. Review status: criteria provided, single submitter. Criteria: Invitae Variant Classification Sherloc (09022015). Collection method: clinical testing. Allele origin: germline.
Comment: This sequence change replaces alanine, which is neutral and non-polar, with valine, which is neutral and non-polar, at codon 650 of the EYS protein (p.Ala650Val). The frequency data for this variant in the population databases is considered unreliable, as metrics indicate poor data quality at this position in the gnomAD database. This variant has not been reported in the literature in individuals affected with EYS-related conditions. Algorithms developed to predict the effect of missense changes on protein structure and function output the following: SIFT: "Tolerated"; PolyPhen-2: "Benign"; Align-GVGD: "Class C0". The valine amino acid residue is found in multiple mammalian species, which suggests that this missense change does not adversely affect protein function. In summary, the available evidence is currently insufficient to determine the role of this variant in disease. Therefore, it has been classified as a Variant of Uncertain Significance.

NM_001142800.2(EYS):c.1949C>T (p.Ala650Val)

Gene: EYS (eyes shut homolog; minus strand). Cytogenetic location: 6q12.
Variant type: single nucleotide variant.
Coding change: c.1949C>T on transcript NM_001142800.2 (MANE Select); coding-DNA position 1949, C replaced by T.
Protein change: p.Ala650Val; replaces alanine 650 with valine.
Molecular consequence: missense variant.
Genome position (GRCh38, 1-based): chr6:65,295,937, G>A on the plus strand (C>T on the coding strand, the complement: EYS is on the minus strand). VCF-style: chr6-65295937-G-A. GRCh37 (hg19) VCF-style: chr6-66005830-G-A.
Other names: c.1949C>T, p.Ala650Val (NM_001292009.2); short protein forms A650V.
Identifiers: ClinVar variation 2174624 (VCV002174624.1), dbSNP rs1400774007, ClinGen allele CA364659450.
Genomic context (GRCh38, chr6:65,295,937, plus strand): 5'-ACACACTTGCGGAAGAAATATCCCCTTAAATGTGTACTAGTTGTTCCATTTTTGCAGGAC[G>A]CAGATTTGCAGTCTTCAGTATCTATCTCACAGATGTTCCTTTCATATCTTTGCAGACCGC-3'
Protein context (NP_001136272.1, residues 640-660): CEIDTEDCKS[Ala650Val]SCKNGTTSTH